The following is an entry in ClinVar:

ClinVar aggregate classification (germline): Uncertain significance (1 of 4 stars; one submission).

Submission:

GeneDx
Classification: Uncertain significance. Last evaluated: 2019-12-24. Review status: criteria provided, single submitter. Criteria: GeneDx Variant Classification Process June 2021. Collection method: clinical testing. Allele origin: germline. Affected: yes.
Comment: Not observed in large population cohorts (Lek et al., 2016); In silico analysis, which includes protein predictors and evolutionary conservation, supports a deleterious effect; Has not been previously published as pathogenic or benign to our knowledge

NM_014975.3(MAST1):c.2165C>G (p.Ser722Trp)

Genes: MAST1 (microtubule associated serine/threonine kinase 1; plus strand), LOC112543452 (Sharpr-MPRA regulatory region 6054; plus strand). Cytogenetic location: 19p13.13.
Variant type: single nucleotide variant.
Coding change: c.2165C>G on transcript NM_014975.3 (MANE Select); coding-DNA position 2165, C replaced by G.
Protein change: p.Ser722Trp; replaces serine 722 with tryptophan.
Molecular consequence: missense variant.
Genome position (GRCh38, 1-based): chr19:12,867,499, C>G. VCF-style: chr19-12867499-C-G. GRCh37 (hg19) VCF-style: chr19-12978313-C-G.
Other names: short protein forms S722W.
Identifiers: ClinVar variation 1311509 (VCV001311509.2), dbSNP rs2145909214, ClinGen allele CA404276899.